The following is an entry in ClinVar:

NM_001048174.2(MUTYH):c.1022A>T (p.Glu341Val)

Gene: MUTYH (mutY DNA glycosylase; minus strand). Cytogenetic location: 1p34.1.
Variant type: single nucleotide variant.
Coding change: c.1022A>T on transcript NM_001048174.2 (MANE Select); coding-DNA position 1022, A replaced by T.
Protein change: p.Glu341Val; replaces glutamic acid 341 with valine.
Molecular consequence: missense variant. On other transcripts: non-coding transcript variant (7).
Genome position (GRCh38, 1-based): chr1:45,331,741, T>A on the plus strand (A>T on the coding strand, the complement: MUTYH is on the minus strand). VCF-style: chr1-45331741-T-A. GRCh37 (hg19) VCF-style: chr1-45797413-T-A.
Other names: c.1022A>T, p.Glu341Val (NM_001048171.2, NM_001048173.2, NM_001407081.1 and 6 more transcripts); c.1025A>T, p.Glu342Val (NM_001048172.2, NM_001407078.1, NM_001407086.1 and 1 more transcripts); c.1106A>T, p.Glu369Val (NM_001128425.2); c.1067A>T, p.Glu356Val (NM_001293190.2); c.1055A>T, p.Glu352Val (NM_001293191.2, NM_001407077.1, NM_001407069.1); c.746A>T, p.Glu249Val (NM_001293192.2, NM_001293196.2, NM_001407091.1); c.983A>T, p.Glu328Val (NM_001407079.1); c.980A>T, p.Glu327Val (NM_001407080.1); and 5 more; short protein forms E226V, E249V, E327V, E328V, E342V, E356V, E366V, E369V.
Identifiers: ClinVar variation 4113016 (VCV004113016.1).

ClinVar aggregate classification (germline): Uncertain significance (1 of 4 stars; one submission).

Conditions:
Hereditary cancer-predisposing syndrome. Also called: Tumor predisposition; Neoplastic Syndromes, Hereditary; Hereditary neoplastic syndrome; Hereditary Cancer Syndrome. Identifiers: Orphanet 140162, MedGen C0027672, MeSH D009386, MONDO:0015356.

Submission:

Ambry Genetics
Classification: Uncertain significance for Hereditary cancer-predisposing syndrome. Last evaluated: 2025-08-27. Review status: criteria provided, single submitter. Criteria: Ambry Variant Classification Scheme 2023. Collection method: clinical testing. Allele origin: germline.
Comment: The p.E369V variant (also known as c.1106A>T), located in coding exon 12 of the MUTYH gene, results from an A to T substitution at nucleotide position 1106. The glutamic acid at codon 369 is replaced by valine, an amino acid with dissimilar properties. This amino acid position is conserved. In addition, this alteration is predicted to be tolerated by in silico analysis. Based on the available evidence, the clinical significance of this variant remains unclear.